The following is an entry in ClinVar:

ClinVar aggregate classification (germline): Benign (1 of 4 stars; one submission).

Conditions:
Glanzmann thrombasthenia. Also called: PLATELET GLYCOPROTEIN IIb-IIIa DEFICIENCY; Thrombasthenia; Glanzmann's thrombasthenia; BLEEDING DISORDER, PLATELET-TYPE, 2; THROMBASTHENIA OF GLANZMANN AND NAEGELI. Identifiers: Orphanet 849, MedGen C0040015, MONDO:0100326.

Allele frequency attached by ClinVar (database versions not stated): gnomAD 0.00834 and 0.00876; TOPMed 0.00960; 1000 Genomes Project 30x 0.01015; 1000 Genomes Project 0.01018.

Submission:

Illumina Laboratory Services, Illumina
Classification: Benign for Glanzmann thrombasthenia 1. Last evaluated: 2018-01-12. Review status: criteria provided, single submitter. Criteria: ICSL Variant Classification Criteria 13 December 2019. Collection method: clinical testing. Allele origin: germline.
Comment: This variant was observed in the ICSL laboratory as part of a predisposition screen in an ostensibly healthy population. It had not been previously curated by ICSL or reported in the Human Gene Mutation Database (HGMD: prior to June 1st, 2018), and was therefore a candidate for classification through an automated scoring system. Utilizing variant allele frequency, disease prevalence and penetrance estimates, and inheritance mode, an automated score was calculated to assess if this variant is too frequent to cause the disease. Based on the score and internal cut-off values, a variant classified as benign is not then subjected to further curation. The score for this variant resulted in a classification of benign for this disease.

NM_000212.3(ITGB3):c.*2455A>C

Genes: EFCAB13-DT (EFCAB13 divergent transcript; minus strand), ITGB3 (integrin subunit beta 3; plus strand). Cytogenetic location: 17q21.32.
Variant type: single nucleotide variant.
Coding change: c.*2455A>C on transcript NM_000212.3 (MANE Select); 2455 bases downstream of the stop codon, A replaced by C.
Molecular consequence: 3 prime UTR variant.
Genome position (GRCh38, 1-based): chr17:47,312,659, A>C. VCF-style: chr17-47312659-A-C. GRCh37 (hg19) VCF-style: chr17-45390025-A-C.
Identifiers: ClinVar variation 323906 (VCV000323906.5), dbSNP rs73322322, ClinGen allele CA10650418.
Genomic context (GRCh38, chr17:47,312,659, plus strand): 5'-TGTTTTATATGAAGAAACTGTATCAAAGGGGGAAGAAAATGTATTTAACAGGTGAATCAA[A>C]TCAGGAATCTTGTCTGAGCTACTGGAATGAAGTTCACAGGTCTTGAAGACCAATATTATT-3'